The following is an entry in ClinVar:

NM_002878.4(RAD51D):c.625A>G (p.Thr209Ala)

Genes: RAD51L3-RFFL (RAD51L3-RFFL readthrough; minus strand), RAD51D (RAD51 paralog D; minus strand). Cytogenetic location: 17q12.
Variant type: single nucleotide variant.
Coding change: c.625A>G on transcript NM_002878.4 (MANE Select); coding-DNA position 625, A replaced by G.
Protein change: p.Thr209Ala; replaces threonine 209 with alanine.
Molecular consequence: missense variant. On other transcripts: non-coding transcript variant (3).
Genome position (GRCh38, 1-based): chr17:35,103,496, T>C on the plus strand (A>G on the coding strand, the complement: RAD51D is on the minus strand). VCF-style: chr17-35103496-T-C. GRCh37 (hg19) VCF-style: chr17-33430515-T-C.
Other names: c.685A>G, p.Thr229Ala (NM_001142571.2); c.289A>G, p.Thr97Ala (NM_133629.3); short protein forms T97A, T229A, T209A.
Identifiers: ClinVar variation 1752473 (VCV001752473.4), dbSNP rs1555567603, ClinGen allele CA399087907.

ClinVar aggregate classification (germline): Uncertain significance. Review status: criteria provided, multiple submitters, no conflicts (2 of 4 stars). 2 submissions from 2 submitters: Uncertain significance (2). Last evaluated 2024-07-26.

Conditions:
Hereditary cancer-predisposing syndrome. Also called: Hereditary Cancer Syndrome; Hereditary neoplastic syndrome; Neoplastic Syndromes, Hereditary; Tumor predisposition. Identifiers: Orphanet 140162, MedGen C0027672, MeSH D009386, MONDO:0015356.
Breast-ovarian cancer, familial, susceptibility to, 4. Identifiers: Orphanet 145, MedGen C3280345, MONDO:0013669, OMIM 614291.

Allele frequency attached by ClinVar (database versions not stated): gnomAD exomes below 0.00001.
gnomAD v4.1: 1 of 1,614,204 alleles (0.000062%); highest among the groups gnomAD compares: East Asian, 0.0022%; no homozygotes.

Submissions (2):

Labcorp Genetics (formerly Invitae), Labcorp
Classification: Uncertain significance for Breast-ovarian cancer, familial, susceptibility to, 4. Last evaluated: 2024-07-26. Review status: criteria provided, single submitter. Criteria: Invitae Variant Classification Sherloc (09022015). Collection method: clinical testing. Allele origin: germline.
Comment: This sequence change replaces threonine, which is neutral and polar, with alanine, which is neutral and non-polar, at codon 209 of the RAD51D protein (p.Thr209Ala). This variant is not present in population databases (gnomAD no frequency). This variant has not been reported in the literature in individuals affected with RAD51D-related conditions. ClinVar contains an entry for this variant (Variation ID: 1752473). Advanced modeling of protein sequence and biophysical properties (such as structural, functional, and spatial information, amino acid conservation, physicochemical variation, residue mobility, and thermodynamic stability) performed at Invitae indicates that this missense variant is not expected to disrupt RAD51D protein function with a negative predictive value of 80%. In summary, the available evidence is currently insufficient to determine the role of this variant in disease. Therefore, it has been classified as a Variant of Uncertain Significance.

Ambry Genetics
Classification: Uncertain significance for Hereditary cancer-predisposing syndrome. Last evaluated: 2021-02-24. Review status: criteria provided, single submitter. Criteria: Ambry Variant Classification Scheme 2023. Collection method: clinical testing. Allele origin: germline.
Comment: The p.T209A variant (also known as c.625A>G), located in coding exon 7 of the RAD51D gene, results from an A to G substitution at nucleotide position 625. The threonine at codon 209 is replaced by alanine, an amino acid with similar properties. This amino acid position is not well conserved in available vertebrate species. In addition, this alteration is predicted to be tolerated by in silico analysis. Since supporting evidence is limited at this time, the clinical significance of this alteration remains unclear.